The following is an entry in ClinVar:

ClinVar aggregate classification (germline): Uncertain significance. Review status: criteria provided, multiple submitters, no conflicts (2 of 4 stars). 2 submissions from 2 submitters: Uncertain significance (2). Last evaluated 2023-01-24.

Conditions:
Hereditary cancer-predisposing syndrome. Also called: Neoplastic Syndromes, Hereditary; Tumor predisposition; Hereditary Cancer Syndrome; Hereditary neoplastic syndrome. Identifiers: Orphanet 140162, MedGen C0027672, MeSH D009386, MONDO:0015356.

gnomAD v4.1: 1 of 1,614,040 alleles (0.000062%); no homozygotes.

Submissions (2):

Ambry Genetics
Classification: Uncertain significance for Hereditary cancer-predisposing syndrome. Last evaluated: 2023-01-24. Review status: criteria provided, single submitter. Criteria: Ambry Variant Classification Scheme 2023. Collection method: clinical testing. Allele origin: germline.
Comment: The p.D710G variant (also known as c.2129A>G), located in coding exon 13 of the RAD50 gene, results from an A to G substitution at nucleotide position 2129. The aspartic acid at codon 710 is replaced by glycine, an amino acid with similar properties. This amino acid position is highly conserved in available vertebrate species. In addition, the in silico prediction for this alteration is inconclusive. Since supporting evidence is limited at this time, the clinical significance of this alteration remains unclear.

Labcorp Genetics (formerly Invitae), Labcorp
Classification: Uncertain significance for Hereditary cancer-predisposing syndrome. Last evaluated: 2020-04-11. Review status: criteria provided, single submitter. Criteria: Invitae Variant Classification Sherloc (09022015). Collection method: clinical testing. Allele origin: germline.
Comment: In summary, the available evidence is currently insufficient to determine the role of this variant in disease. Therefore, it has been classified as a Variant of Uncertain Significance. Algorithms developed to predict the effect of sequence changes on RNA splicing suggest that this variant may create or strengthen a splice site, but this prediction has not been confirmed by published transcriptional studies. Algorithms developed to predict the effect of missense changes on protein structure and function (SIFT, PolyPhen-2, Align-GVGD) all suggest that this variant is likely to be tolerated, but these predictions have not been confirmed by published functional studies and their clinical significance is uncertain. This variant has not been reported in the literature in individuals with RAD50-related conditions. ClinVar contains an entry for this variant (Variation ID: 234242). This variant is not present in population databases (ExAC no frequency). This sequence change replaces aspartic acid with glycine at codon 710 of the RAD50 protein (p.Asp710Gly). The aspartic acid residue is moderately conserved and there is a moderate physicochemical difference between aspartic acid and glycine.

NM_005732.4(RAD50):c.2129A>G (p.Asp710Gly)

Gene: RAD50 (RAD50 double strand break repair protein; plus strand). Cytogenetic location: 5q31.1.
Variant type: single nucleotide variant.
Coding change: c.2129A>G on transcript NM_005732.4 (MANE Select); coding-DNA position 2129, A replaced by G.
Protein change: p.Asp710Gly; replaces aspartic acid 710 with glycine.
Molecular consequence: missense variant.
Genome position (GRCh38, 1-based): chr5:132,595,732, A>G. VCF-style: chr5-132595732-A-G. GRCh37 (hg19) VCF-style: chr5-131931424-A-G.
Other names: short protein forms D710G.
Identifiers: ClinVar variation 234242 (VCV000234242.14), dbSNP rs876660953, ClinGen allele CA10578552.